The following is an entry in ClinVar:

NM_006904.7(PRKDC):c.26G>A (p.Arg9His)

Genes: PRKDC (protein kinase, DNA-activated, catalytic subunit; minus strand), LOC129929030 (ATAC-STARR-seq lymphoblastoid silent region 19177; plus strand). Cytogenetic location: 8q11.21.
Variant type: single nucleotide variant.
Coding change: c.26G>A on transcript NM_006904.7 (MANE Select); coding-DNA position 26, G replaced by A.
Protein change: p.Arg9His; replaces arginine 9 with histidine.
Molecular consequence: missense variant.
Genome position (GRCh38, 1-based): chr8:47,960,101, C>T on the plus strand (G>A on the coding strand, the complement: PRKDC is on the minus strand). VCF-style: chr8-47960101-C-T. GRCh37 (hg19) VCF-style: chr8-48872661-C-T.
Other names: c.26G>A, p.Arg9His (NM_001081640.2); short protein forms R9H.
Identifiers: ClinVar variation 3425409 (VCV003425409.1).

ClinVar aggregate classification (germline): Uncertain significance (1 of 4 stars; one submission).

gnomAD v4.1: 1 of 1,514,170 alleles (0.000066%); highest among the groups gnomAD compares: Non-Finnish European, 0.000088%; no homozygotes.

Submission:

Ambry Genetics
Classification: Uncertain significance. Last evaluated: 2024-11-15. Review status: criteria provided, single submitter. Criteria: Ambry Variant Classification Scheme 2023. Collection method: clinical testing. Allele origin: germline.
Comment: The p.R9H variant (also known as c.26G>A), located in coding exon 1 of the PRKDC gene, results from a G to A substitution at nucleotide position 26. The arginine at codon 9 is replaced by histidine, an amino acid with highly similar properties. This amino acid position is conserved. In addition, this alteration is predicted to be tolerated by in silico analysis. Based on the available evidence, the clinical significance of this variant remains unclear.